The following is an entry in ClinVar:

NM_144670.6(A2ML1):c.4152+60A>T

Gene: A2ML1 (alpha-2-macroglobulin like 1; plus strand). Cytogenetic location: 12p13.31.
Variant type: single nucleotide variant.
Coding change: c.4152+60A>T on transcript NM_144670.6 (MANE Select); 60 bases into the intron after coding-DNA position 4152, A replaced by T.
Molecular consequence: intron variant.
Genome position (GRCh38, 1-based): chr12:8,868,687, A>T. VCF-style: chr12-8868687-A-T. GRCh37 (hg19) VCF-style: chr12-9021283-A-T.
Other names: c.2679+60A>T (NM_001282424.3).
Identifiers: ClinVar variation 561614 (VCV000561614.2), dbSNP rs55776445, ClinGen allele CA16435697.

ClinVar aggregate classification (germline): Benign. Review status: criteria provided, multiple submitters, no conflicts (2 of 4 stars). 2 submissions from 2 submitters: Benign (2). Last evaluated 2018-06-19.

Allele frequency attached by ClinVar (database versions not stated): 1000 Genomes Project 0.07308; 1000 Genomes Project 30x 0.07651; gnomAD exomes 0.08237; TOPMed 0.10174; gnomAD 0.10331 and 0.10862.

Submissions (2):

GeneDx
Classification: Benign. Last evaluated: 2018-06-19. Review status: criteria provided, single submitter. Criteria: GeneDx Variant Classification (06012015). Collection method: clinical testing. Allele origin: germline. Affected: yes.
Comment: This variant is considered likely benign or benign based on one or more of the following criteria: it is a conservative change, it occurs at a poorly conserved position in the protein, it is predicted to be benign by multiple in silico algorithms, and/or has population frequency not consistent with disease.

Breakthrough Genomics
Classification: Benign. Review status: criteria provided, single submitter. Criteria: ACMG Guidelines, 2015. Collection method: not provided. Allele origin: germline. Inheritance: Autosomal dominant inheritance. Affected: yes.